The following is an entry in ClinVar:

ClinVar aggregate classification (germline): Uncertain significance. Review status: criteria provided, multiple submitters, no conflicts (2 of 4 stars). 2 submissions from 2 submitters: Uncertain significance (2). Last evaluated 2025-07-10.

Allele frequency attached by ClinVar (database versions not stated): gnomAD exomes below 0.00001.
gnomAD v4.1: 1 of 1,210,182 alleles (0.000083%); highest among the groups gnomAD compares: Non-Finnish European, 0.00011%; no homozygotes.

Submissions (2):

GeneDx
Classification: Uncertain significance. Last evaluated: 2025-07-10. Review status: criteria provided, single submitter. Criteria: GeneDx Variant Classification Process June 2021. Collection method: clinical testing. Allele origin: germline. Affected: yes.
Comment: Not observed at significant frequency in large population cohorts (gnomAD); In silico analysis supports that this missense variant has a deleterious effect on protein structure/function; Has not been previously published as pathogenic or benign to our knowledge

CeGaT Center for Human Genetics Tuebingen
Classification: Uncertain significance. Last evaluated: 2023-09-01. Review status: criteria provided, single submitter. Criteria: CeGaT Center For Human Genetics Tuebingen Variant Classification Criteria Version 2. Collection method: clinical testing. Allele origin: germline. Affected: yes. Observed: 1 variant allele.
Comment: CASK: PM2

NM_001367721.1(CASK):c.2725G>A (p.Ala909Thr)

Genes: CASK (calcium/calmodulin dependent serine protein kinase; minus strand), CASK-AS1 (CASK antisense RNA 1; plus strand). Cytogenetic location: Xp11.4.
Variant type: single nucleotide variant.
Coding change: c.2725G>A on transcript NM_001367721.1 (MANE Select); coding-DNA position 2725, G replaced by A.
Protein change: p.Ala909Thr; replaces alanine 909 with threonine.
Molecular consequence: missense variant.
Genome position (GRCh38, 1-based): chrX:41,520,476, C>T on the plus strand (G>A on the coding strand, the complement: CASK is on the minus strand). VCF-style: chrX-41520476-C-T. GRCh37 (hg19) VCF-style: chrX-41379729-C-T.
Other names: c.2641G>A, p.Ala881Thr (NM_001126054.3); c.2638G>A, p.Ala880Thr (NM_001126055.3); c.2707G>A, p.Ala903Thr (NM_001410745.1); c.2710G>A, p.Ala904Thr (NM_003688.4); c.2710G>A (NM_003688.3); short protein forms A880T, A881T, A903T, A904T, A909T.
Identifiers: ClinVar variation 2583079 (VCV002583079.26), dbSNP rs2519651730, ClinGen allele CA412988757.